The following is an entry in ClinVar:

NM_006767.4(LZTR1):c.2448_2449del (p.Leu817fs)

Gene: LZTR1 (leucine zipper like post translational regulator 1; plus strand). Cytogenetic location: 22q11.21.
Variant type: Deletion.
Coding change: c.2448_2449del on transcript NM_006767.4 (MANE Select); coding-DNA positions 2448 to 2449, 2 bases deleted (GC; older notation c.2448_2449delGC).
Protein change: p.Leu817fs; shifts the reading frame from leucine 817.
Molecular consequence: frameshift variant.
Genome position (GRCh38, 1-based): chr22:20,997,273-20,997,274, GC deleted. VCF-style (leftmost placement, unchanged base first): chr22-20997272-TGC-T. GRCh37 (hg19) VCF-style: chr22-21351561-TGC-T.
Other names: short protein forms L817fs.
Identifiers: ClinVar variation 4859361 (VCV004859361.1).
Genomic context (GRCh38, chr22:20,997,272, plus strand): 5'-CCGGCCTGCTTGCCTTACAGGTCTCCAAGTTGCCCACCCTGCGGTCGCTGAGCCAGCAGC[TGC>T]TGCTGGACATCATAGACTCCCTGGCCTCCCACATCTCAGACAAGCAGTGCGCAGAGCTGG-3'

ClinVar aggregate classification (germline): Uncertain significance (1 of 4 stars; one submission).

Conditions:
Cardiovascular phenotype. Identifiers: MedGen CN230736.
Hereditary cancer-predisposing syndrome. Also called: Neoplastic Syndromes, Hereditary; Tumor predisposition; Hereditary Cancer Syndrome; Hereditary neoplastic syndrome. Identifiers: Orphanet 140162, MedGen C0027672, MeSH D009386, MONDO:0015356.

Submission:

Ambry Genetics
Classification: Uncertain significance for Cardiovascular phenotype; Hereditary cancer-predisposing syndrome. Last evaluated: 2026-03-24. Review status: criteria provided, single submitter. Criteria: Ambry Variant Classification Scheme 2023. Collection method: clinical testing. Allele origin: germline.
Comment: The c.2448_2449delGC variant, located in coding exon 21 of the LZTR1 gene, results from a deletion of two nucleotides at nucleotide positions 2448 to 2449, causing a translational frameshift with a predicted alternate stop codon (p.L817Afs*33). This variant occurs at the 3' terminus of the gene, is not expected to trigger nonsense-mediated mRNAdecay and results in the elongation of the protein by 8 amino acids. This frameshift impacts the last 2.9% of the native protein. The exact functional effect of the altered amino acids is unknown. Based on the available evidence, the clinical significance of this variant remains unclear.